The following is an entry in ClinVar:

ClinVar aggregate classification (germline): Uncertain significance. Review status: criteria provided, multiple submitters, no conflicts (2 of 4 stars). 3 submissions from 3 submitters: Uncertain significance (3). Last evaluated 2026-08-17.

Conditions:
Cardiovascular phenotype. Identifiers: MedGen CN230736.
Myofibrillar myopathy 5. Also called: Filaminopathy (type); FILAMINOPATHY, AUTOSOMAL DOMINANT. Identifiers: Orphanet 171445, MedGen C1836050, MONDO:0012289, OMIM 609524.
Hypertrophic cardiomyopathy 26. Also called: Cardiomyopathy, familial hypertrophic, 26. Identifiers: Orphanet 75249, MedGen C4310749, MONDO:0014883, OMIM 617047.
Distal myopathy with posterior leg and anterior hand involvement. Also called: WILLIAMS DISTAL MYOPATHY. Identifiers: Orphanet 63273, MedGen C3279722, MONDO:0013550, OMIM 614065.

Allele frequency attached by ClinVar (database versions not stated): TOPMed 0.00001; gnomAD 0.00001.
gnomAD v4.1: 2 of 1,613,872 alleles (0.00012%); highest among the groups gnomAD compares: African/African-American, 0.0027%; no homozygotes.

Submissions (3):

Ambry Genetics
Classification: Uncertain significance for Cardiovascular phenotype. Last evaluated: 2026-08-17. Review status: criteria provided, single submitter. Criteria: Ambry Variant Classification Scheme 2023. Collection method: clinical testing. Allele origin: germline.

GeneDx
Classification: Uncertain significance. Last evaluated: 2025-06-23. Review status: criteria provided, single submitter. Criteria: GeneDx Variant Classification Process June 2021. Collection method: clinical testing. Allele origin: germline. Affected: yes.
Comment: Not observed at significant frequency in large population cohorts (gnomAD); In silico analysis supports that this missense variant has a deleterious effect on protein structure/function; Has not been previously published as pathogenic or benign to our knowledge

Labcorp Genetics (formerly Invitae), Labcorp
Classification: Uncertain significance for Distal myopathy with posterior leg and anterior hand involvement; Myofibrillar myopathy 5; Hypertrophic cardiomyopathy 26. Last evaluated: 2023-07-29. Review status: criteria provided, single submitter. Criteria: Invitae Variant Classification Sherloc (09022015). Collection method: clinical testing. Allele origin: germline.
Comment: In summary, the available evidence is currently insufficient to determine the role of this variant in disease. Therefore, it has been classified as a Variant of Uncertain Significance. Advanced modeling of protein sequence and biophysical properties (such as structural, functional, and spatial information, amino acid conservation, physicochemical variation, residue mobility, and thermodynamic stability) has been performed at Invitae for this missense variant, however the output from this modeling did not meet the statistical confidence thresholds required to predict the impact of this variant on FLNC protein function. This sequence change replaces threonine, which is neutral and polar, with isoleucine, which is neutral and non-polar, at codon 1905 of the FLNC protein (p.Thr1905Ile). This variant is not present in population databases (gnomAD no frequency). This variant has not been reported in the literature in individuals affected with FLNC-related conditions.

NM_001458.5(FLNC):c.5714C>T (p.Thr1905Ile)

Genes: FLNC (filamin C; plus strand), FLNC-AS1 (FLNC antisense RNA 1; minus strand). Cytogenetic location: 7q32.1.
Variant type: single nucleotide variant.
Coding change: c.5714C>T on transcript NM_001458.5 (MANE Select); coding-DNA position 5714, C replaced by T.
Protein change: p.Thr1905Ile; replaces threonine 1905 with isoleucine.
Molecular consequence: missense variant. On other transcripts: non-coding transcript variant (1).
Genome position (GRCh38, 1-based): chr7:128,851,500, C>T. VCF-style: chr7-128851500-C-T. GRCh37 (hg19) VCF-style: chr7-128491554-C-T.
Other names: c.5615C>T, p.Thr1872Ile (NM_001127487.2); short protein forms T1905I, T1872I.
Identifiers: ClinVar variation 2940628 (VCV002940628.5), dbSNP rs1176639916, ClinGen allele CA369208123.